The following is an entry in ClinVar:

ClinVar aggregate classification (germline): Uncertain significance (1 of 4 stars; one submission).

Conditions:
Dilated cardiomyopathy 1JJ (CMD1JJ). Identifiers: Orphanet 154, MedGen C3808935, MONDO:0014095, OMIM 615235.

gnomAD v4.1: 1 of 1,614,196 alleles (0.000062%); highest among the groups gnomAD compares: Non-Finnish European, 0.000085%; no homozygotes.

Submission:

Labcorp Genetics (formerly Invitae), Labcorp
Classification: Uncertain significance for Dilated cardiomyopathy 1JJ. Last evaluated: 2025-12-02. Review status: criteria provided, single submitter. Criteria: Invitae Variant Classification Sherloc (09022015). Collection method: clinical testing. Allele origin: germline.
Comment: This sequence change replaces phenylalanine, which is neutral and non-polar, with cysteine, which is neutral and slightly polar, at codon 1044 of the LAMA4 protein (p.Phe1044Cys). This variant is not present in population databases (gnomAD no frequency). This variant has not been reported in the literature in individuals affected with LAMA4-related conditions. ClinVar contains an entry for this variant (Variation ID: 3626313). Invitae Evidence Modeling of protein sequence and biophysical properties (such as structural, functional, and spatial information, amino acid conservation, physicochemical variation, residue mobility, and thermodynamic stability) indicates that this missense variant is expected to disrupt LAMA4 protein function with a positive predictive value of 80%. In summary, the available evidence is currently insufficient to determine the role of this variant in disease. Therefore, it has been classified as a Variant of Uncertain Significance.

NM_001105206.3(LAMA4):c.3152T>G (p.Phe1051Cys)

Gene: LAMA4 (laminin subunit alpha 4; minus strand). Cytogenetic location: 6q21.
Variant type: single nucleotide variant.
Coding change: c.3152T>G on transcript NM_001105206.3 (MANE Select); coding-DNA position 3152, T replaced by G.
Protein change: p.Phe1051Cys; replaces phenylalanine 1051 with cysteine.
Molecular consequence: missense variant.
Genome position (GRCh38, 1-based): chr6:112,139,250, A>C on the plus strand (T>G on the coding strand, the complement: LAMA4 is on the minus strand). VCF-style: chr6-112139250-A-C. GRCh37 (hg19) VCF-style: chr6-112460452-A-C.
Other names: c.3131T>G, p.Phe1044Cys (NM_001105207.3, NM_002290.5); short protein forms F1044C, F1051C.
Identifiers: ClinVar variation 3626313 (VCV003626313.2).